The following is an entry in ClinVar:

NM_000744.7(CHRNA4):c.479C>T (p.Ser160Phe)

Gene: CHRNA4 (cholinergic receptor nicotinic alpha 4 subunit; minus strand). Cytogenetic location: 20q13.33.
Variant type: single nucleotide variant.
Coding change: c.479C>T on transcript NM_000744.7 (MANE Select); coding-DNA position 479, C replaced by T.
Protein change: p.Ser160Phe; replaces serine 160 with phenylalanine.
Molecular consequence: missense variant. On other transcripts: 5 prime UTR variant (1), non-coding transcript variant (1).
Genome position (GRCh38, 1-based): chr20:63,350,932, G>A on the plus strand (C>T on the coding strand, the complement: CHRNA4 is on the minus strand). VCF-style: chr20-63350932-G-A. GRCh37 (hg19) VCF-style: chr20-61982284-G-A.
Other names: c.-50C>T (NM_001256573.2); short protein forms S160F.
Identifiers: ClinVar variation 421396 (VCV000421396.2), dbSNP rs201421555, ClinGen allele CA16620957.

ClinVar aggregate classification (germline): Uncertain significance (1 of 4 stars; one submission).

Allele frequency attached by ClinVar (database versions not stated): gnomAD 0.00001.

Submission:

GeneDx
Classification: Uncertain significance. Last evaluated: 2016-06-04. Review status: criteria provided, single submitter. Criteria: GeneDx Variant Classification (06012015). Collection method: clinical testing. Allele origin: germline. Affected: yes.
Comment: The S160F variant in the CHRNA4 gene has not been reported previously as a pathogenic variant, nor as a benign variant, to our knowledge. The S160F variant was not observed in approximately 6500 individuals of European and African American ancestry in the NHLBI Exome Sequencing Project, indicating it is not a common benign variant in these populations. The S160F variant is a non-conservative amino acid substitution, which is likely to impact secondary protein structure as these residues differ in polarity, charge, size and/or other properties. This substitution occurs at a position that is conserved across species. In silico analysis predicts this variant is probably damaging to the protein structure/function. We interpret S160F as a variant of uncertain significance.